The following is an entry in ClinVar:

NM_001211.6(BUB1B):c.2999T>G (p.Ile1000Ser)

Genes: BUB1B (BUB1 mitotic checkpoint serine/threonine kinase B; plus strand), BUB1B-PAK6 (BUB1B-PAK6 readthrough; plus strand). Cytogenetic location: 15q15.1.
Variant type: single nucleotide variant.
Coding change: c.2999T>G on transcript NM_001211.6 (MANE Select); coding-DNA position 2999, T replaced by G.
Protein change: p.Ile1000Ser; replaces isoleucine 1000 with serine.
Molecular consequence: missense variant. On other transcripts: intron variant (2).
Genome position (GRCh38, 1-based): chr15:40,220,605, T>G. VCF-style: chr15-40220605-T-G. GRCh37 (hg19) VCF-style: chr15-40512806-T-G.
Other names: c.-201+2938T>G (NM_001128628.3); c.-118+2938T>G (NM_001128629.3); short protein forms I1000S.
Identifiers: ClinVar variation 1798601 (VCV001798601.2), dbSNP rs2140914725, ClinGen allele CA391689517.

ClinVar aggregate classification (germline): Uncertain significance (1 of 4 stars; one submission).

Conditions:
Inborn genetic diseases. Identifiers: MedGen C0950123, MeSH D030342.

Allele frequency attached by ClinVar (database versions not stated): gnomAD exomes below 0.00001.
gnomAD v4.1: 4 of 1,614,226 alleles (0.00025%); highest among the groups gnomAD compares: Non-Finnish European, 0.00034%; no homozygotes.

Submission:

Ambry Genetics
Classification: Uncertain significance for Inborn genetic diseases. Last evaluated: 2021-10-31. Review status: criteria provided, single submitter. Criteria: Ambry Variant Classification Scheme 2023. Collection method: clinical testing. Allele origin: germline.
Comment: The p.I1000S variant (also known as c.2999T>G), located in coding exon 23 of the BUB1B gene, results from a T to G substitution at nucleotide position 2999. The isoleucine at codon 1000 is replaced by serine, an amino acid with dissimilar properties. This amino acid position is conserved. In addition, the in silico prediction for this alteration is inconclusive. Since supporting evidence is limited at this time, the clinical significance of this alteration remains unclear.